The following is an entry in ClinVar:

NM_032043.3(BRIP1):c.589T>C (p.Ser197Pro)

Gene: BRIP1 (BRCA1 interacting DNA helicase 1; minus strand). Cytogenetic location: 17q23.2.
Variant type: single nucleotide variant.
Coding change: c.589T>C on transcript NM_032043.3 (MANE Select); coding-DNA position 589, T replaced by C.
Protein change: p.Ser197Pro; replaces serine 197 with proline.
Molecular consequence: missense variant.
Genome position (GRCh38, 1-based): chr17:61,847,139, A>G on the plus strand (T>C on the coding strand, the complement: BRIP1 is on the minus strand). VCF-style: chr17-61847139-A-G. GRCh37 (hg19) VCF-style: chr17-59924500-A-G.
Other names: short protein forms S197P.
Identifiers: ClinVar variation 826041 (VCV000826041.18), dbSNP rs530897769, ClinGen allele CA8690904.

ClinVar aggregate classification (germline): Uncertain significance. Review status: criteria provided, multiple submitters, no conflicts (2 of 4 stars). 7 submissions from 7 submitters: Uncertain significance (7). Last evaluated 2024-06-12.

Conditions:
Fanconi anemia complementation group J. Also called: BRIP1-Related Fanconi Anemia. Identifiers: Orphanet 84, MedGen C1836860, MONDO:0012187, OMIM 609054.
Familial cancer of breast. Also called: BREAST CANCER, FAMILIAL; hereditary breast carcinoma; Hereditary breast cancer. Identifiers: Orphanet 227535, MedGen C0346153, MONDO:0016419, OMIM 114480. Disease mechanism: loss of function.
Hereditary cancer-predisposing syndrome. Also called: Neoplastic Syndromes, Hereditary; Tumor predisposition; Hereditary Cancer Syndrome; Hereditary neoplastic syndrome. Identifiers: Orphanet 140162, MedGen C0027672, MeSH D009386, MONDO:0015356.

Allele frequency attached by ClinVar (database versions not stated): gnomAD below 0.00001 and 0.00001; TOPMed below 0.00001; gnomAD exomes 0.00001 and 0.00002; ExAC 0.00003; 1000 Genomes Project 30x 0.00016; 1000 Genomes Project 0.00020.
gnomAD v4.1: 13 of 1,613,750 alleles (0.00081%); highest among the groups gnomAD compares: South Asian, 0.011%; no homozygotes.

Submissions (7):

Ambry Genetics
Classification: Uncertain significance for Hereditary cancer-predisposing syndrome. Last evaluated: 2024-06-12. Review status: criteria provided, single submitter. Criteria: Ambry Variant Classification Scheme 2023. Collection method: clinical testing. Allele origin: germline.
Comment: The p.S197P variant (also known as c.589T>C), located in coding exon 5 of the BRIP1 gene, results from a T to C substitution at nucleotide position 589. The serine at codon 197 is replaced by proline, an amino acid with similar properties. This amino acid position is well conserved in available vertebrate species. In addition, the in silico prediction for this alteration is inconclusive. Since supporting evidence is limited at this time, the clinical significance of this alteration remains unclear.

Institute for Biomarker Research, Medical Diagnostic Laboratories, L.L.C.
Classification: Uncertain significance for Hereditary cancer-predisposing syndrome. Last evaluated: 2024-01-23. Review status: criteria provided, single submitter. Criteria: ACMG Guidelines, 2015. Collection method: clinical testing. Allele origin: germline.

Baylor Genetics
Classification: Uncertain significance for Familial cancer of breast. Last evaluated: 2023-09-15. Review status: criteria provided, single submitter. Criteria: ACMG Guidelines, 2015. Collection method: clinical testing. Allele origin: unknown.

Blueprint Genetics
Classification: Uncertain significance. Last evaluated: 2023-03-28. Review status: criteria provided, single submitter. Criteria: ACMG Guidelines, 2015. Collection method: clinical testing. Allele origin: germline.

Neuberg Centre For Genomic Medicine, NCGM
Classification: Uncertain significance for Familial cancer of breast. Last evaluated: 2023-03-01. Review status: criteria provided, single submitter. Criteria: ACMG Guidelines, 2015. Collection method: clinical testing. Allele origin: germline. Inheritance: Autosomal dominant inheritance. Affected: yes.
Comment: The missense c.589T>C (p.Ser197Pro) variant in BRIP1 gene has not been reported previously as a pathogenic variant nor as a benign variant, to our knowledge. The p.Ser197Pro variant has allele frequency 0.002% in gnomAD Exomes and is novel (not in any individuals) in 1000 Genomes. This variant has been reported to the ClinVar database as Uncertain Significance. The amino acid change p.Ser197Pro in BRIP1 is predicted as conserved by GERP++ and PhyloP across 100 vertebrates. The amino acid Ser at position 197 is changed to a Pro changing protein sequence and it might alter its composition and physico-chemical properties. For these reasons, this variant has been classified as Variant of Uncertain Significance (VUS).

Labcorp Genetics (formerly Invitae), Labcorp
Classification: Uncertain significance for Familial cancer of breast; Fanconi anemia complementation group J. Last evaluated: 2022-03-29. Review status: criteria provided, single submitter. Criteria: Invitae Variant Classification Sherloc (09022015). Collection method: clinical testing. Allele origin: germline.
Comment: This sequence change replaces serine, which is neutral and polar, with proline, which is neutral and non-polar, at codon 197 of the BRIP1 protein (p.Ser197Pro). This variant is present in population databases (rs530897769, gnomAD 0.02%). This variant has not been reported in the literature in individuals affected with BRIP1-related conditions. ClinVar contains an entry for this variant (Variation ID: 826041). Algorithms developed to predict the effect of missense changes on protein structure and function are either unavailable or do not agree on the potential impact of this missense change (SIFT: "Tolerated"; PolyPhen-2: "Possibly Damaging"; Align-GVGD: "Class C0"). In summary, the available evidence is currently insufficient to determine the role of this variant in disease. Therefore, it has been classified as a Variant of Uncertain Significance.

GeneDx
Classification: Uncertain significance. Last evaluated: 2019-10-10. Review status: criteria provided, single submitter. Criteria: GeneDx Variant Classification Process June 2021. Collection method: clinical testing. Allele origin: germline. Affected: yes.
Comment: In silico analysis, which includes protein predictors and evolutionary conservation, supports that this variant does not alter protein structure/function; Has not been previously published as pathogenic or benign to our knowledge